The following is an entry in ClinVar:

ClinVar aggregate classification (germline): Pathogenic. Review status: criteria provided, multiple submitters, no conflicts (2 of 4 stars). 8 submissions from 8 submitters: Pathogenic (7). 1 of the submissions does not count toward it. Last evaluated 2026-06-01.

Conditions:
Birt-Hogg-Dube syndrome 1 (BHD1). Also called: FIBROFOLLICULOMAS WITH TRICHODISCOMAS AND ACROCHORDONS. Identifiers: Orphanet 122, MedGen CN375946, MONDO:0800445, OMIM 135150.
Hereditary cancer-predisposing syndrome. Also called: Tumor predisposition; Hereditary Cancer Syndrome; Neoplastic Syndromes, Hereditary; Hereditary neoplastic syndrome. Identifiers: Orphanet 140162, MedGen C0027672, MeSH D009386, MONDO:0015356.
Birt-Hogg-Dube syndrome. Also called: Birt Hogg Dubé syndrome. Identifiers: Orphanet 122, MedGen C0346010, MONDO:0800444.

Allele frequency attached by ClinVar (database versions not stated): gnomAD exomes below 0.00001.
gnomAD v4.1: 2 of 1,613,022 alleles (0.00012%); highest among the groups gnomAD compares: African/African-American, 0.0013%; no homozygotes.

Submissions (8):

CeGaT Center for Human Genetics Tuebingen
Classification: Pathogenic. Last evaluated: 2026-06-01. Review status: criteria provided, single submitter. Criteria: CeGaT Center For Human Genetics Tuebingen Variant Classification Criteria Version 2. Collection method: clinical testing. Allele origin: germline. Affected: yes. Observed: 1 variant allele.
Comment: FLCN: PVS1, PM2, PS4:Moderate

Labcorp Genetics (formerly Invitae), Labcorp
Classification: Pathogenic for Birt-Hogg-Dube syndrome. Last evaluated: 2025-07-01. Review status: criteria provided, single submitter. Criteria: Invitae Variant Classification Sherloc (09022015). Collection method: clinical testing. Allele origin: germline.
Comment: This sequence change creates a premature translational stop signal (p.Gln285*) in the FLCN gene. It is expected to result in an absent or disrupted protein product. Loss-of-function variants in FLCN are known to be pathogenic (PMID: 15852235). This variant is not present in population databases (gnomAD no frequency). This premature translational stop signal has been observed in individual(s) with Birt-Hogg-Dubé syndrome (PMID: 24393238). ClinVar contains an entry for this variant (Variation ID: 253239). For these reasons, this variant has been classified as Pathogenic.

Myriad Genetics, Inc.
Classification: Pathogenic for Birt-Hogg-Dube syndrome 1. Last evaluated: 2024-10-23. Review status: criteria provided, single submitter. Criteria: Myriad Autosomal Dominant, Autosomal Recessive and X-Linked Classification Criteria (2023). Collection method: clinical testing. Allele origin: unknown.
Comment: This variant is considered pathogenic. This variant creates a termination codon and is predicted to result in premature protein truncation.

ARUP Laboratories, Molecular Genetics and Genomics, ARUP Laboratories
Classification: Pathogenic. Last evaluated: 2024-08-19. Review status: criteria provided, single submitter. Criteria: ARUP Molecular Germline Variant Investigation Process 2024. Collection method: clinical testing. Allele origin: germline.
Comment: The FLCN c.853C>T; p.Gln285Ter variant (rs879255667, ClinVar Variation ID: 253239) is reported in the literature in individuals with Birt-Hogg-Dube syndrome (Ge 2016, Kumasaka 2014, Namba 2023). This variant is absent from the Genome Aggregation Database (v2.1.1), indicating it is not a common polymorphism. This variant induces an early termination codon and is predicted to result in a truncated protein or mRNA subject to nonsense-mediated decay. Based on available information, this variant is considered to be pathogenic. References: Ge L, Lowe P. Not just a cosmetic problem: facial papules in Birt-Hogg-Dube syndrome. Med J Aust. 2016 Jan 18;204(1):28-9. PMID: 26763815. Kumasaka T et al. Characterization of pulmonary cysts in Birt-Hogg-DubÃ© syndrome: histopathological and morphometric analysis of 229 pulmonary cysts from 50 unrelated patients. Histopathology. 2014 Jul;65(1):100-10. PMID: 24393238. Namba Y et al. Clinical and genetic features of 334 Asian patients with Birt-Hogg-Dube syndrome (BHDS) who presented with pulmonary cysts with or without a history of pneumothorax, with special reference to BHDS-associated pneumothorax. PLoS One. 2023 Jul 25;18(7):e0289175. PMID: 37490463.

Ambry Genetics
Classification: Pathogenic for Hereditary cancer-predisposing syndrome. Last evaluated: 2023-09-19. Review status: criteria provided, single submitter. Criteria: Ambry Variant Classification Scheme 2023. Collection method: clinical testing. Allele origin: germline.
Comment: The p.Q285* pathogenic mutation (also known as c.853C>T), located in coding exon 5 of the FLCN gene, results from a C to T substitution at nucleotide position 853. This changes the amino acid from a glutamine to a stop codon within coding exon 5. This alteration was also identified in a cohort of Asian Birt-Hogg-Dube syndrome patients (Kumasaka T et al. Histopathology. 2014 Jul;65:100-10). This variant is considered to be rare based on population cohorts in the Genome Aggregation Database (gnomAD). In addition to the clinical data presented in the literature, this alteration is expected to result in loss of function by premature protein truncation or nonsense-mediated mRNA decay. As such, this alteration is interpreted as a disease-causing mutation.

GeneDx
Classification: Pathogenic. Last evaluated: 2021-01-07. Review status: criteria provided, single submitter. Criteria: GeneDx Variant Classification Process June 2021. Collection method: clinical testing. Allele origin: germline. Affected: yes.
Comment: Nonsense variant predicted to result in protein truncation or nonsense mediated decay in a gene for which loss-of-function is a known mechanism of disease; Not observed in large population cohorts (Lek 2016); This variant is associated with the following publications: (PMID: 26763815, 23067074, 29357828, 24393238)

Genomic Diagnostic Laboratory, Division of Genomic Diagnostics, Children's Hospital of Philadelphia
Classification: Pathogenic for Birt-Hogg-Dube Syndrome. Last evaluated: 2016-07-18. Review status: criteria provided, single submitter. Criteria: DGD Variant Analysis Guidelines. Collection method: clinical testing. Allele origin: germline. Affected: yes. Observed: 2 variant alleles.
Comment: Clinical Testing

Division of Respiratory Medicine of Juntendo University, Juntendo University Faculty of Medicine and Graduate School of Medicine
Classification: Pathogenic for Birt-Hogg-Dube syndrome 1. Last evaluated: 2023-07-01. Review status: no assertion criteria provided. Collection method: clinical testing. Allele origin: germline. Affected: yes. Not counted in ClinVar's aggregate classification.

Literature cited by the submitters: PubMed 15852235 (cited by Labcorp Genetics (formerly Invitae), Labcorp); PubMed 24393238 (cited by Labcorp Genetics (formerly Invitae), Labcorp and Ambry Genetics); PubMed 26763815 (cited by Ambry Genetics).

NM_144997.7(FLCN):c.853C>T (p.Gln285Ter)

Gene: FLCN (folliculin; minus strand). Cytogenetic location: 17p11.2.
Variant type: single nucleotide variant.
Coding change: c.853C>T on transcript NM_144997.7 (MANE Select); coding-DNA position 853, C replaced by T.
Protein change: p.Gln285Ter; replaces glutamine 285 with a stop codon.
Molecular consequence: nonsense.
Genome position (GRCh38, 1-based): chr17:17,221,555, G>A on the plus strand (C>T on the coding strand, the complement: FLCN is on the minus strand). VCF-style: chr17-17221555-G-A. GRCh37 (hg19) VCF-style: chr17-17124869-G-A.
Other names: c.853C>T (LRG_325t1); c.907C>T, p.Gln303Ter (NM_001353229.2); c.853C>T, p.Gln285Ter (NM_001353230.2, NM_001353231.2, NM_144606.7); short protein forms Q285*, Q303*.
Identifiers: ClinVar variation 253239 (VCV000253239.19), dbSNP rs879255667, ClinGen allele CA10586264.
Genomic context (GRCh38, chr17:17,221,555, plus strand): 5'-GCCATCCGGGCCAAGGCCCCGGCAACAGCACCCCTGCCTCACCAGCGAGCTTCTCCATCT[G>A]GACCAAGGTATCCTCGGTCGGAGCACCTTCCAGGAGCTTCTCGGTCAGCCGGCTGCCACA-3'